The following is an entry in ClinVar:

ClinVar aggregate classification (germline): Uncertain significance. Review status: criteria provided, multiple submitters, no conflicts (2 of 4 stars). 4 submissions from 4 submitters: Uncertain significance (4). Last evaluated 2025-12-31.

Conditions:
A2ML1-related disorder. Also called: A2ML1-related condition.

Allele frequency attached by ClinVar (database versions not stated): ExAC 0.00002; gnomAD 0.00004; gnomAD exomes 0.00004 and 0.00009; TOPMed 0.00005.
gnomAD v4.1: 130 of 1,613,594 alleles (0.0081%); highest among the groups gnomAD compares: Non-Finnish European, 0.011%; no homozygotes.

Submissions (4):

PreventionGenetics, part of Exact Sciences
Classification: Uncertain significance for A2ML1-related condition. Last evaluated: 2025-12-31. Review status: criteria provided, single submitter. Criteria: ACMG Guidelines, 2015. Collection method: clinical testing. Allele origin: germline.
Comment: The A2ML1 c.2945T>C variant is predicted to result in the amino acid substitution p.Ile982Thr. To our knowledge, this variant has not been reported in the literature. This variant is reported in 0.0093% of alleles in individuals of European (Non-Finnish) descent in gnomAD. At this time, the clinical significance of this variant is uncertain due to the absence of conclusive functional and genetic evidence.

Labcorp Genetics (formerly Invitae), Labcorp
Classification: Uncertain significance. Last evaluated: 2025-04-11. Review status: criteria provided, single submitter. Criteria: Invitae Variant Classification Sherloc (09022015). Collection method: clinical testing. Allele origin: germline.
Comment: This sequence change replaces isoleucine, which is neutral and non-polar, with threonine, which is neutral and polar, at codon 982 of the A2ML1 protein (p.Ile982Thr). This variant is present in population databases (rs759983928, gnomAD 0.009%). This variant has not been reported in the literature in individuals affected with A2ML1-related conditions. ClinVar contains an entry for this variant (Variation ID: 280348). An algorithm developed to predict the effect of missense changes on protein structure and function (PolyPhen-2) suggests that this variant is likely to be disruptive. In summary, the available evidence is currently insufficient to determine the role of this variant in disease. Therefore, it has been classified as a Variant of Uncertain Significance.

Ambry Genetics
Classification: Uncertain significance. Last evaluated: 2021-10-06. Review status: criteria provided, single submitter. Criteria: Ambry Variant Classification Scheme 2023. Collection method: clinical testing. Allele origin: germline.

GeneDx
Classification: Uncertain significance. Last evaluated: 2019-09-09. Review status: criteria provided, single submitter. Criteria: GeneDx Variant Classification Process June 2021. Collection method: clinical testing. Allele origin: germline. Affected: yes.
Comment: In silico analysis, which includes protein predictors and evolutionary conservation, supports a deleterious effect; Has not been previously published as pathogenic or benign to our knowledge

NM_144670.6(A2ML1):c.2945T>C (p.Ile982Thr)

Gene: A2ML1 (alpha-2-macroglobulin like 1; plus strand). Cytogenetic location: 12p13.31.
Variant type: single nucleotide variant.
Coding change: c.2945T>C on transcript NM_144670.6 (MANE Select); coding-DNA position 2945, T replaced by C.
Protein change: p.Ile982Thr; replaces isoleucine 982 with threonine.
Molecular consequence: missense variant.
Genome position (GRCh38, 1-based): chr12:8,857,260, T>C. VCF-style: chr12-8857260-T-C. GRCh37 (hg19) VCF-style: chr12-9009856-T-C.
Other names: c.1472T>C, p.Ile491Thr (NM_001282424.3); c.2945T>C (NM_144670.5, NM_144670.3); short protein forms I982T, I491T.
Identifiers: ClinVar variation 280348 (VCV000280348.16), dbSNP rs759983928, ClinGen allele CA6436208.